The following is an entry in ClinVar:

NM_000077.5(CDKN2A):c.-21C>T

Genes: CDKN2A (cyclin dependent kinase inhibitor 2A; minus strand), LOC130001603 (ATAC-STARR-seq lymphoblastoid silent region 19811; plus strand). Cytogenetic location: 9p21.3.
Variant type: single nucleotide variant.
Coding change: c.-21C>T on transcript NM_000077.5; 21 bases upstream of the start codon, C replaced by T.
Molecular consequence: 5 prime UTR variant (on NM_001195132.2). On other transcripts: intron variant (2).
Genome position (GRCh38, 1-based): chr9:21,974,848, G>A on the plus strand (C>T on the coding strand, the complement: CDKN2A is on the minus strand). VCF-style: chr9-21974848-G-A. GRCh37 (hg19) VCF-style: chr9-21974847-G-A.
Other names: c.-21C>T (NM_000077.6, NM_001195132.2, NM_058197.5); c.-3-3640C>T (NM_001363763.2); c.194-3640C>T (NM_058195.4).
Identifiers: ClinVar variation 1200181 (VCV001200181.14), dbSNP rs762129503, ClinGen allele CA862174237.

ClinVar aggregate classification (germline): Conflicting classifications of pathogenicity. Review status: criteria provided, conflicting classifications (1 of 4 stars). 4 submissions from 4 submitters: Likely pathogenic (2); Uncertain significance (2). Last evaluated 2025-05-07.

Conditions:
Familial melanoma. Also called: Hereditary melanoma; Hereditary cutaneous melanoma. Identifiers: Orphanet 618, MedGen C1512419, MONDO:0018961.
Hereditary cancer-predisposing syndrome. Also called: Hereditary Cancer Syndrome; Tumor predisposition; Neoplastic Syndromes, Hereditary; Hereditary neoplastic syndrome. Identifiers: Orphanet 140162, MedGen C0027672, MeSH D009386, MONDO:0015356.
Melanoma-pancreatic cancer syndrome. Identifiers: Orphanet 404560, MedGen C1838547, MONDO:0011713, OMIM 606719. Disease mechanism: loss of function.

Allele frequency attached by ClinVar (database versions not stated): TOPMed below 0.00001.
gnomAD v4.1: 3 of 1,554,768 alleles (0.00019%); highest among the groups gnomAD compares: Non-Finnish European, 0.00026%; no homozygotes.

Submissions (4):

Ambry Genetics
Classification: Likely pathogenic for Hereditary cancer-predisposing syndrome. Last evaluated: 2025-05-07. Review status: criteria provided, single submitter. Criteria: Ambry Variant Classification Scheme 2023. Collection method: clinical testing. Allele origin: germline.
Comment: The c.-21C>T variant is located in the 5' untranslated region (5&rsquo; UTR) of the CDKN2A gene. This variant results from a C to T substitution 21 bases upstream from the first translated codon. This alteration has been reported in multiple individuals with with cutaneous melanoma (Pastorino L et al. Pigment Cell Melanoma Res, 2008 Dec;21:700-9; Bisio A et al. Hum. Mol. Genet., 2010 Apr;19:1479-91; Andreotti V et al. Pigment Cell Melanoma Res, 2016 Mar;29:210-21). Further, functional studies demonstrate that the c.-21C>T mutation has a severe negative impact in both melanoma and breast cancer cell lines as well as reduced mRNA translation efficiency (Bisio A et al. Hum. Mol. Genet., 2010 Apr;19:1479-91; Andreotti V et al. Pigment Cell Melanoma Res, 2016 Mar;29:210-21). This nucleotide position is poorly conserved in available vertebrate species. Based on the majority of available evidence to date, this variant is likely to be pathogenic.

GeneDx
Classification: Uncertain significance. Last evaluated: 2024-04-25. Review status: criteria provided, single submitter. Criteria: GeneDx Variant Classification Process June 2021. Collection method: clinical testing. Allele origin: germline. Affected: yes.
Comment: Observed in individuals with a personal and/or family history of melanoma (PMID: 18983535, 19500876, 20093296, 26581427); Published functional studies are inconclusive: this variant reduces gene reporter activity, likely as a result of the reduced protein level (PMID: 20093296, 26581427); Not observed at significant frequency in large population cohorts (gnomAD); Nucleotide is not conserved across species and the substitution has no predicted effect on splicing; This variant is associated with the following publications: (PMID: 18983535, 19500876, 28830827, 20093296, 26581427, 26557774)

Labcorp Genetics (formerly Invitae), Labcorp
Classification: Uncertain significance for Familial melanoma. Last evaluated: 2022-01-12. Review status: criteria provided, single submitter. Criteria: Invitae Variant Classification Sherloc (09022015). Collection method: clinical testing. Allele origin: germline.
Comment: In summary, the available evidence is currently insufficient to determine the role of this variant in disease. Therefore, it has been classified as a Variant of Uncertain Significance. Algorithms developed to predict the effect of sequence changes on RNA splicing suggest that this variant may create or strengthen a splice site. Experimental studies have shown that this variant affects CDKN2A (p16INK4a) function (PMID: 20093296). Algorithms developed to predict the effect of variants on protein structure and function are not available or were not evaluated for this variant. ClinVar contains an entry for this variant (Variation ID: 1200181). This variant has been observed in individual(s) with melanoma (PMID: 18983535, 20093296, 26581427). This variant is not present in population databases (gnomAD no frequency). This variant occurs in a non-coding region of the CDKN2A (p16INK4a) gene. It does not change the encoded amino acid sequence of the CDKN2A (p16INK4a) protein.

Department of Pathology and Laboratory Medicine, Sinai Health System
Classification: Likely pathogenic for melanoma-pancreatic cancer syndrome. Review status: criteria provided, single submitter. Criteria: ACMG Guidelines, 2015. Collection method: clinical testing. Allele origin: germline.

Literature cited by the submitters: PubMed 18983535 (cited by Ambry Genetics and Labcorp Genetics (formerly Invitae), Labcorp); PubMed 20093296 (cited by Ambry Genetics and Labcorp Genetics (formerly Invitae), Labcorp); PubMed 26581427 (cited by Ambry Genetics and Labcorp Genetics (formerly Invitae), Labcorp).